The following is an entry in ClinVar:

ClinVar aggregate classification (germline): Uncertain significance (1 of 4 stars; one submission).

Submission:

GeneDx
Classification: Uncertain significance. Last evaluated: 2020-02-20. Review status: criteria provided, single submitter. Criteria: GeneDx Variant Classification Process June 2021. Collection method: clinical testing. Allele origin: germline. Affected: yes.
Comment: Not observed in large population cohorts (Lek et al., 2016); In silico analysis supports that this missense variant does not alter protein structure/function; Has not been previously published as pathogenic or benign to our knowledge

NM_153252.5(BRWD3):c.5208G>C (p.Met1736Ile)

Gene: BRWD3 (bromodomain and WD repeat domain containing 3; minus strand). Cytogenetic location: Xq21.1.
Variant type: single nucleotide variant.
Coding change: c.5208G>C on transcript NM_153252.5 (MANE Select); coding-DNA position 5208, G replaced by C.
Protein change: p.Met1736Ile; replaces methionine 1736 with isoleucine.
Molecular consequence: missense variant.
Genome position (GRCh38, 1-based): chrX:80,676,810, C>G on the plus strand (G>C on the coding strand, the complement: BRWD3 is on the minus strand). VCF-style: chrX-80676810-C-G. GRCh37 (hg19) VCF-style: chrX-79932309-C-G.
Other names: short protein forms M1736I.
Identifiers: ClinVar variation 1315066 (VCV001315066.2), dbSNP rs2147666844, ClinGen allele CA413746351.
Genomic context (GRCh38, chrX:80,676,810, plus strand): 5'-AGTCCTCCTGCCTTGGTTTCTTGTTTTAATTCGAGGCAGTCTACTGAAACGTCCTGAAAA[C>G]ATGGTATCAAATTCATCATCTGCAATACGTGCTCGTTTGGCTCTGGTAGCTCCTCTAGAA-3'
Protein context (NP_694984.5, residues 1726-1746): ARIADDEFDT[Met1736Ile]FSGRFSRLPR